The following is an entry in ClinVar:

ClinVar aggregate classification (germline): Uncertain significance. Review status: criteria provided, multiple submitters, no conflicts (2 of 4 stars). 2 submissions from 2 submitters: Uncertain significance (2). Last evaluated 2025-08-07.

Conditions:
Gastrointestinal stromal tumor. Also called: Gastrointestinal stromal tumor, somatic; Gastrointestinal stroma tumor. Identifiers: Orphanet 44890, MedGen C0238198, MeSH D046152, MONDO:0011719, OMIM 606764, HP:0100723.
Hereditary cancer-predisposing syndrome. Also called: Neoplastic Syndromes, Hereditary; Tumor predisposition; Hereditary Cancer Syndrome; Hereditary neoplastic syndrome. Identifiers: Orphanet 140162, MedGen C0027672, MeSH D009386, MONDO:0015356.

gnomAD v4.1: 1 of 1,614,162 alleles (0.000062%); no homozygotes.

Submissions (2):

Labcorp Genetics (formerly Invitae), Labcorp
Classification: Uncertain significance for Gastrointestinal stromal tumor. Last evaluated: 2025-08-07. Review status: criteria provided, single submitter. Criteria: Invitae Variant Classification Sherloc (09022015). Collection method: clinical testing. Allele origin: germline.
Comment: This sequence change replaces proline, which is neutral and non-polar, with arginine, which is basic and polar, at codon 61 of the KIT protein (p.Pro61Arg). This variant is not present in population databases (gnomAD no frequency). This variant has not been reported in the literature in individuals affected with KIT-related conditions. ClinVar contains an entry for this variant (Variation ID: 3534729). An algorithm developed to predict the effect of missense changes on protein structure and function (PolyPhen-2) suggests that this variant is likely to be tolerated. In summary, the available evidence is currently insufficient to determine the role of this variant in disease. Therefore, it has been classified as a Variant of Uncertain Significance.

Ambry Genetics
Classification: Uncertain significance for Hereditary cancer-predisposing syndrome. Last evaluated: 2024-10-30. Review status: criteria provided, single submitter. Criteria: Ambry Variant Classification Scheme 2023. Collection method: clinical testing. Allele origin: germline.
Comment: The p.P61R variant (also known as c.182C>G), located in coding exon 2 of the KIT gene, results from a C to G substitution at nucleotide position 182. The proline at codon 61 is replaced by arginine, an amino acid with dissimilar properties. This amino acid position is conserved. In addition, this alteration is predicted to be tolerated by in silico analysis. Based on the available evidence, the clinical significance of this variant remains unclear.

NM_000222.3(KIT):c.182C>G (p.Pro61Arg)

Gene: KIT (KIT proto-oncogene, receptor tyrosine kinase; plus strand). Cytogenetic location: 4q12.
Variant type: single nucleotide variant.
Coding change: c.182C>G on transcript NM_000222.3 (MANE Select); coding-DNA position 182, C replaced by G.
Protein change: p.Pro61Arg; replaces proline 61 with arginine.
Molecular consequence: missense variant.
Genome position (GRCh38, 1-based): chr4:54,695,626, C>G. VCF-style: chr4-54695626-C-G. GRCh37 (hg19) VCF-style: chr4-55561792-C-G.
Other names: c.182C>G, p.Pro61Arg (NM_001093772.2, NM_001385284.1, NM_001385285.1 and 4 more transcripts); short protein forms P61R.
Identifiers: ClinVar variation 3534729 (VCV003534729.3).
Genomic context (GRCh38, chr4:54,695,626, plus strand): 5'-CAGGAAAATCAGACTTAATAGTCCGCGTGGGCGACGAGATTAGGCTGTTATGCACTGATC[C>G]GGGCTTTGTCAAATGGACTTTTGAGATCCTGGATGAAACGAATGAGAATAAGCAGAATGA-3'
Protein context (NP_000213.1, residues 51-71): GDEIRLLCTD[Pro61Arg]GFVKWTFEIL